The following is an entry in ClinVar:

ClinVar aggregate classification (germline): Pathogenic/Likely pathogenic. Review status: criteria provided, multiple submitters, no conflicts (2 of 4 stars). 11 submissions from 9 submitters: Pathogenic (7); Likely pathogenic (1). 3 of the submissions do not count toward it. Last evaluated 2026-07-30.

Conditions:
Ovarian cancer. Also called: OVARIAN CANCER, SOMATIC. Identifiers: Orphanet 213500, MedGen C1140680, MONDO:0008170, OMIM 167000.
Fanconi anemia complementation group J. Also called: BRIP1-Related Fanconi Anemia. Identifiers: Orphanet 84, MedGen C1836860, MONDO:0012187, OMIM 609054.
BRIP1-related disorder. Also called: BRIP1-related condition; BRIP1-related disorders. Identifiers: MedGen CN239206.
Hereditary cancer-predisposing syndrome. Also called: Tumor predisposition; Neoplastic Syndromes, Hereditary; Hereditary neoplastic syndrome; Hereditary Cancer Syndrome. Identifiers: Orphanet 140162, MedGen C0027672, MeSH D009386, MONDO:0015356.
Familial cancer of breast. Also called: BREAST CANCER, FAMILIAL; Hereditary breast cancer; hereditary breast carcinoma. Identifiers: Orphanet 227535, MedGen C0346153, MONDO:0016419, OMIM 114480. Disease mechanism: loss of function.

Allele frequency attached by ClinVar (database versions not stated): gnomAD exomes below 0.00001.

Submissions (11):

PreventionGenetics, part of Exact Sciences
Classification: Pathogenic for BRIP1-related condition. Last evaluated: 2026-07-30. Review status: criteria provided, single submitter. Criteria: ACMG Guidelines, 2015. Collection method: clinical testing. Allele origin: germline.
Comment: The BRIP1 c.1853_1854insG variant is predicted to result in a frameshift and premature protein termination (p.Pro619Thrfs*20). This variant has been reported in at least one individual in a large ovarian cancer cohort (Table S7, Lilyquist et al. 2017. PubMed ID: 28888541). This variant is reported in 0.00088% of alleles in individuals of European (non-Finnish) descent in gnomAD and is interpreted as likely pathogenic or pathogenic by multiple clinical laboratories in ClinVar (Variation ID: 141753). Frameshift variants in BRIP1 are expected to be pathogenic. This variant is interpreted as pathogenic.

Labcorp Genetics (formerly Invitae), Labcorp
Classification: Pathogenic for Familial cancer of breast; Fanconi anemia complementation group J. Last evaluated: 2025-08-11. Review status: criteria provided, single submitter. Criteria: Invitae Variant Classification Sherloc (09022015). Collection method: clinical testing. Allele origin: germline.
Comment: This sequence change creates a premature translational stop signal (p.Pro619Thrfs*20) in the BRIP1 gene. It is expected to result in an absent or disrupted protein product. Loss-of-function variants in BRIP1 are known to be pathogenic (PMID: 16116423, 17033622, 21964575). This variant is present in population databases (rs587781985, gnomAD 0.0009%). This variant has not been reported in the literature in individuals affected with BRIP1-related conditions. ClinVar contains an entry for this variant (Variation ID: 141753). For these reasons, this variant has been classified as Pathogenic.

GeneDx
Classification: Pathogenic. Last evaluated: 2024-05-06. Review status: criteria provided, single submitter. Criteria: GeneDx Variant Classification Process June 2021. Collection method: clinical testing. Allele origin: germline. Affected: yes.
Comment: Frameshift variant predicted to result in protein truncation or nonsense mediated decay in a gene for which loss-of-function is a known mechanism of disease; Not observed at significant frequency in large population cohorts (gnomAD); This variant is associated with the following publications: (PMID: 27153395, 28888541, 32359370, 28152038, 29922827)

Ambry Genetics
Classification: Pathogenic for Hereditary cancer-predisposing syndrome. Last evaluated: 2024-04-09. Review status: criteria provided, single submitter. Criteria: Ambry Variant Classification Scheme 2023. Collection method: clinical testing. Allele origin: germline.
Comment: The c.1853_1854insG pathogenic mutation, located in coding exon 12 of the BRIP1 gene, results from an insertion of one nucleotide at position 1853, causing a translational frameshift with a predicted alternate stop codon (p.P619Tfs*20). This variant is considered to be rare based on population cohorts in the Genome Aggregation Database (gnomAD). This alteration is expected to result in loss of function by premature protein truncation or nonsense-mediated mRNA decay. As such, this alteration is interpreted as a disease-causing mutation.

Baylor Genetics
Classification: Likely pathogenic for Familial cancer of breast. Last evaluated: 2024-03-28. Review status: criteria provided, single submitter. Criteria: ACMG Guidelines, 2015. Collection method: clinical testing. Allele origin: unknown.

Myriad Genetics, Inc.
Classification: Pathogenic for Familial cancer of breast. Last evaluated: 2023-03-01. Review status: criteria provided, single submitter. Criteria: Myriad Autosomal Dominant, Autosomal Recessive and X-Linked Classification Criteria (2023). Collection method: clinical testing. Allele origin: unknown.
Comment: This variant is considered pathogenic. This variant creates a frameshift predicted to result in premature protein truncation.

Color Diagnostics, LLC DBA Color Health
Classification: Pathogenic for Hereditary cancer-predisposing syndrome. Last evaluated: 2020-01-15. Review status: criteria provided, single submitter. Criteria: ACMG Guidelines, 2015. Collection method: clinical testing. Allele origin: germline.
Comment: This variant inserts 1 nucleotide in exon 13 of the BRIP1 gene, creating a frameshift and premature translation stop signal. This variant is expected to result in an absent or non-functional protein product. This variant has been identified in 1/251448 chromosomes in the general population by the Genome Aggregation Database (gnomAD). Loss of BRIP1 function is a known mechanism of disease. Based on the available evidence, this variant is classified as Pathogenic.

Revvity Omics, Revvity
Classification: Pathogenic for Fanconi anemia complementation group J. Last evaluated: 2019-05-30. Review status: criteria provided, single submitter. Criteria: ACMG Guidelines, 2015. Collection method: clinical testing. Allele origin: germline.

Counsyl
Classification: Likely pathogenic for Fanconi anemia complementation group J. Last evaluated: 2016-10-11. Review status: no assertion criteria provided. Collection method: clinical testing. Allele origin: unknown. Not counted in ClinVar's aggregate classification.

Counsyl
Classification: Likely pathogenic for Ovarian cancer. Last evaluated: 2016-10-11. Review status: no assertion criteria provided. Collection method: clinical testing. Allele origin: unknown. Not counted in ClinVar's aggregate classification.

Counsyl
Classification: Likely pathogenic for Fanconi anemia complementation group J; Ovarian cancer. Last evaluated: 2016-10-11. Review status: no assertion criteria provided. Collection method: clinical testing. Allele origin: unknown. Not counted in ClinVar's aggregate classification.

Literature cited by the submitters: PubMed 16116423 (cited by Labcorp Genetics (formerly Invitae), Labcorp); PubMed 17033622 (cited by Labcorp Genetics (formerly Invitae), Labcorp); PubMed 21964575 (cited by Labcorp Genetics (formerly Invitae), Labcorp); PubMed 27153395 (cited by Counsyl).

NM_032043.3(BRIP1):c.1853_1854insG (p.Pro619fs)

Gene: BRIP1 (BRCA1 interacting DNA helicase 1; minus strand). Cytogenetic location: 17q23.2.
Variant type: Insertion.
Coding change: c.1853_1854insG on transcript NM_032043.3 (MANE Select); coding-DNA positions 1853 to 1854, G inserted.
Protein change: p.Pro619fs; shifts the reading frame from proline 619.
Molecular consequence: frameshift variant.
Genome position: GRCh38 VCF-style: chr17-61780342-T-TC. GRCh37 (hg19) VCF-style: chr17-59857703-T-TC.
Other names: short protein forms P619fs.
Identifiers: ClinVar variation 141753 (VCV000141753.37), dbSNP rs587781985, ClinGen allele CA166302.
Genomic context (GRCh38, chr17:61,780,342, plus strand): 5'-ATTAGCCTCCAGCTGGATAGTAAATGTAACACCAAGTTCTGACGAAAAGGATTTCATTGG[T>TC]GATAATGTACCAGATGTCAAAACAATGGTCTGAACTTTGCCATTAATATCTGAAAAGGCC-3'